The following is an entry in ClinVar:

NM_002591.4(PCK1):c.484G>T (p.Asp162Tyr)

Gene: PCK1 (phosphoenolpyruvate carboxykinase 1; plus strand). Cytogenetic location: 20q13.31.
Variant type: single nucleotide variant.
Coding change: c.484G>T on transcript NM_002591.4 (MANE Select); coding-DNA position 484, G replaced by T.
Protein change: p.Asp162Tyr; replaces aspartic acid 162 with tyrosine.
Molecular consequence: missense variant.
Genome position (GRCh38, 1-based): chr20:57,562,773, G>T. VCF-style: chr20-57562773-G-T. GRCh37 (hg19) VCF-style: chr20-56137829-G-T.
Other names: short protein forms D162Y.
Identifiers: ClinVar variation 1693070 (VCV001693070.2), dbSNP rs1280567586, ClinGen allele CA409435090.

ClinVar aggregate classification (germline): Uncertain significance (1 of 4 stars; one submission).

Allele frequency attached by ClinVar (database versions not stated): gnomAD exomes below 0.00001; gnomAD 0.00001; TOPMed 0.00001.
gnomAD v4.1: 3 of 1,614,002 alleles (0.00019%); highest among the groups gnomAD compares: Admixed American, 0.0017%; no homozygotes.

Submission:

GeneDx
Classification: Uncertain significance. Last evaluated: 2021-12-22. Review status: criteria provided, single submitter. Criteria: GeneDx Variant Classification Process June 2021. Collection method: clinical testing. Allele origin: germline. Affected: yes.
Comment: Not observed at significant frequency in large population cohorts (gnomAD); In silico analysis supports that this missense variant has a deleterious effect on protein structure/function; Has not been previously published as pathogenic or benign to our knowledge